The following is an entry in ClinVar:

NM_001036.6(RYR3):c.12400G>A (p.Gly4134Arg)

Gene: RYR3 (ryanodine receptor 3; plus strand). Cytogenetic location: 15q14.
Variant type: single nucleotide variant.
Coding change: c.12400G>A on transcript NM_001036.6 (MANE Select); coding-DNA position 12400, G replaced by A.
Protein change: p.Gly4134Arg; replaces glycine 4134 with arginine.
Molecular consequence: missense variant.
Genome position (GRCh38, 1-based): chr15:33,838,380, G>A. VCF-style: chr15-33838380-G-A. GRCh37 (hg19) VCF-style: chr15-34130581-G-A.
Other names: c.12385G>A, p.Gly4129Arg (NM_001243996.4); c.12400G>A (NM_001036.3); short protein forms G4129R, G4134R.
Identifiers: ClinVar variation 1026354 (VCV001026354.10), dbSNP rs775664813, ClinGen allele CA7461396.

ClinVar aggregate classification (germline): Uncertain significance. Review status: criteria provided, multiple submitters, no conflicts (2 of 4 stars). 2 submissions from 2 submitters: Uncertain significance (2). Last evaluated 2024-09-25.

Conditions:
Epileptic encephalopathy. Identifiers: MedGen C0543888, HP:0200134.

Allele frequency attached by ClinVar (database versions not stated): gnomAD exomes below 0.00001 and 0.00001; ExAC 0.00001; gnomAD 0.00001; TOPMed 0.00002.
gnomAD v4.1: 6 of 1,613,852 alleles (0.00037%); highest among the groups gnomAD compares: Admixed American, 0.0017%; no homozygotes.

Submissions (2):

Ambry Genetics
Classification: Uncertain significance. Last evaluated: 2024-09-25. Review status: criteria provided, single submitter. Criteria: Ambry Variant Classification Scheme 2023. Collection method: clinical testing. Allele origin: germline.

Labcorp Genetics (formerly Invitae), Labcorp
Classification: Uncertain significance for Epileptic encephalopathy. Last evaluated: 2020-02-06. Review status: criteria provided, single submitter. Criteria: Invitae Variant Classification Sherloc (09022015). Collection method: clinical testing. Allele origin: germline.
Comment: This sequence change replaces glycine with arginine at codon 4134 of the RYR3 protein (p.Gly4134Arg). The glycine residue is weakly conserved and there is a moderate physicochemical difference between glycine and arginine. This variant is present in population databases (rs775664813, ExAC 0.009%). In summary, the available evidence is currently insufficient to determine the role of this variant in disease. Therefore, it has been classified as a Variant of Uncertain Significance. Algorithms developed to predict the effect of missense changes on protein structure and function output the following: SIFT: "Tolerated"; PolyPhen-2: "Benign"; Align-GVGD: "Class C0". The arginine amino acid residue is found in multiple mammalian species, suggesting that this missense change does not adversely affect protein function. These predictions have not been confirmed by published functional studies and their clinical significance is uncertain. This variant has not been reported in the literature in individuals with RYR3-related conditions.